The following is an entry in ClinVar:

ClinVar aggregate classification (germline): Uncertain significance. Review status: criteria provided, multiple submitters, no conflicts (2 of 4 stars). 2 submissions from 2 submitters: Uncertain significance (2). Last evaluated 2022-11-14.

Conditions:
Inborn genetic diseases. Identifiers: MedGen C0950123, MeSH D030342.
Autosomal recessive limb-girdle muscular dystrophy type 2P. Also called: Limb-Girdle Muscular Dystrophy Type 9C; MUSCULAR DYSTROPHY, LIMB-GIRDLE, TYPE 2P; MUSCULAR DYSTROPHY-DYSTROGLYCANOPATHY, LIMB-GIRDLE, DAG1-RELATED. Identifiers: Orphanet 280333, MedGen C4511963, MONDO:0013440, OMIM 613818.
Muscular dystrophy-dystroglycanopathy (congenital with brain and eye anomalies), type A9. Also called: WALKER-WARBURG SYNDROME OR MUSCLE-EYE BRAIN DISEASE, DAG1-RELATED; Muscular dystrophy-dystroglycanopathy (congenital with brain and eye anomalies), type a, 9. Identifiers: Orphanet 370997, Orphanet 899, MedGen C4225291, MONDO:0014683, OMIM 616538.

Allele frequency attached by ClinVar (database versions not stated): ExAC 0.00001; gnomAD 0.00001; gnomAD exomes 0.00001; TOPMed 0.00001; ESP Exome Variant Server 0.00008.
gnomAD v4.1: 5 of 1,614,036 alleles (0.00031%); highest among the groups gnomAD compares: East Asian, 0.0022%; no homozygotes.

Submissions (2):

Ambry Genetics
Classification: Uncertain significance for Inborn genetic diseases. Last evaluated: 2022-11-14. Review status: criteria provided, single submitter. Criteria: Ambry Variant Classification Scheme 2023. Collection method: clinical testing. Allele origin: germline.

Labcorp Genetics (formerly Invitae), Labcorp
Classification: Uncertain significance for Autosomal recessive limb-girdle muscular dystrophy type 2P; Muscular dystrophy-dystroglycanopathy (congenital with brain and eye anomalies), type A9. Last evaluated: 2022-02-03. Review status: criteria provided, single submitter. Criteria: Invitae Variant Classification Sherloc (09022015). Collection method: clinical testing. Allele origin: germline.
Comment: This sequence change replaces arginine, which is basic and polar, with cysteine, which is neutral and slightly polar, at codon 879 of the DAG1 protein (p.Arg879Cys). This variant is present in population databases (rs147831615, gnomAD 0.004%). This variant has not been reported in the literature in individuals affected with DAG1-related conditions. ClinVar contains an entry for this variant (Variation ID: 654010). Algorithms developed to predict the effect of missense changes on protein structure and function are either unavailable or do not agree on the potential impact of this missense change (SIFT: "Deleterious"; PolyPhen-2: "Probably Damaging"; Align-GVGD: "Class C0"). In summary, the available evidence is currently insufficient to determine the role of this variant in disease. Therefore, it has been classified as a Variant of Uncertain Significance.

NM_004393.6(DAG1):c.2635C>T (p.Arg879Cys)

Gene: DAG1 (dystroglycan 1; plus strand). Cytogenetic location: 3p21.31.
Variant type: single nucleotide variant.
Coding change: c.2635C>T on transcript NM_004393.6 (MANE Select); coding-DNA position 2635, C replaced by T.
Protein change: p.Arg879Cys; replaces arginine 879 with cysteine.
Molecular consequence: missense variant.
Genome position (GRCh38, 1-based): chr3:49,533,146, C>T. VCF-style: chr3-49533146-C-T. GRCh37 (hg19) VCF-style: chr3-49570579-C-T.
Other names: c.2635C>T, p.Arg879Cys (NM_001165928.4, NM_001177634.3, NM_001177635.3 and 9 more transcripts); c.2635C>T (NM_004393.4); short protein forms R879C.
Identifiers: ClinVar variation 654010 (VCV000654010.5), dbSNP rs147831615, ClinGen allele CA2399302.